The following is an entry in ClinVar:

NM_003482.4(KMT2D):c.6748C>T (p.Pro2250Ser)

Gene: KMT2D (lysine methyltransferase 2D; minus strand). Cytogenetic location: 12q13.12.
Variant type: single nucleotide variant.
Coding change: c.6748C>T on transcript NM_003482.4 (MANE Select); coding-DNA position 6748, C replaced by T.
Protein change: p.Pro2250Ser; replaces proline 2250 with serine.
Molecular consequence: missense variant.
Genome position (GRCh38, 1-based): chr12:49,041,022, G>A on the plus strand (C>T on the coding strand, the complement: KMT2D is on the minus strand). VCF-style: chr12-49041022-G-A. GRCh37 (hg19) VCF-style: chr12-49434805-G-A.
Other names: short protein forms P2250S.
Identifiers: ClinVar variation 1039843 (VCV001039843.9), dbSNP rs1272071149, ClinGen allele CA384749814.

ClinVar aggregate classification (germline): Uncertain significance. Review status: criteria provided, multiple submitters, no conflicts (2 of 4 stars). 2 submissions from 2 submitters: Uncertain significance (2). Last evaluated 2024-03-31.

Conditions:
Choanal atresia-athelia-hypothyroidism-delayed puberty-short stature syndrome (BCAHH). Also called: BRANCHIAL ARCH ABNORMALITIES, CHOANAL ATRESIA, ATHELIA, HEARING LOSS, AND HYPOTHYROIDISM SYNDROME. Identifiers: Orphanet 589856, MedGen C5680310, MONDO:0035651, OMIM 620186.
Kabuki syndrome 1 (KABUK1). Also called: KMT2D-Related Kabuki Syndrome. Identifiers: Orphanet 2322, MedGen CN030661, MONDO:0007843, OMIM 147920.
Kabuki syndrome. Also called: Kabuki make-up syndrome; NIIKAWA-KUROKI SYNDROME. Identifiers: Orphanet 2322, MedGen C0796004, MONDO:0016512.

Allele frequency attached by ClinVar (database versions not stated): gnomAD exomes below 0.00001.
gnomAD v4.1: 1 of 1,577,986 alleles (0.000063%); highest among the groups gnomAD compares: South Asian, 0.0012%; no homozygotes.

Submissions (2):

Fulgent Genetics
Classification: Uncertain significance for Kabuki syndrome 1; Choanal atresia-athelia-hypothyroidism-delayed puberty-short stature syndrome. Last evaluated: 2024-03-31. Review status: criteria provided, single submitter. Criteria: ACMG Guidelines, 2015. Collection method: clinical testing. Allele origin: germline.

Labcorp Genetics (formerly Invitae), Labcorp
Classification: Uncertain significance for Kabuki syndrome. Last evaluated: 2020-10-07. Review status: criteria provided, single submitter. Criteria: Invitae Variant Classification Sherloc (09022015). Collection method: clinical testing. Allele origin: germline.
Comment: In summary, the available evidence is currently insufficient to determine the role of this variant in disease. Therefore, it has been classified as a Variant of Uncertain Significance. Advanced modeling of protein sequence and biophysical properties (such as structural, functional, and spatial information, amino acid conservation, physicochemical variation, residue mobility, and thermodynamic stability) performed at Invitae indicates that this missense variant is not expected to disrupt KMT2D protein function. This variant has not been reported in the literature in individuals with KMT2D-related conditions. This variant is not present in population databases (ExAC no frequency). This sequence change replaces proline with serine at codon 2250 of the KMT2D protein (p.Pro2250Ser). The proline residue is moderately conserved and there is a moderate physicochemical difference between proline and serine.